The following is an entry in ClinVar:

ClinVar aggregate classification (germline): Likely pathogenic. Review status: criteria provided, multiple submitters, no conflicts (2 of 4 stars). 3 submissions from 3 submitters: Likely pathogenic (3). Last evaluated 2026-04-08.

Conditions:
Melanoma, cutaneous malignant, susceptibility to, 1 (CMM1). Also called: MELANOMA, MALIGNANT; B-K MOLE SYNDROME; DYSPLASTIC NEVUS SYNDROME, HEREDITARY; FAMILIAL ATYPICAL MOLE-MALIGNANT MELANOMA SYNDROME. Identifiers: Orphanet 618, MedGen C1835047, MONDO:0007963, OMIM 155600.
Peutz-Jeghers syndrome (PJS). Also called: Peutz-Jeghers polyposis; Periorificial lentiginosis syndrome; POLYPOSIS, HAMARTOMATOUS INTESTINAL; POLYPS-AND-SPOTS SYNDROME. Identifiers: Orphanet 2869, MedGen C0031269, MeSH D010580, MONDO:0008280, OMIM 175200.
Familial pancreatic carcinoma. Identifiers: Orphanet 1333, MedGen C2931038, MONDO:0015278, OMIM 260350.
Germ cell tumor of testis (TGCT). Also called: GERM CELL TUMOR, SOMATIC; Testicular germ cell tumor. Identifiers: Orphanet 363504, MedGen C1336708, MONDO:0010108, OMIM 273300.
Hereditary cancer-predisposing syndrome. Also called: Tumor predisposition; Hereditary neoplastic syndrome; Hereditary Cancer Syndrome; Neoplastic Syndromes, Hereditary. Identifiers: Orphanet 140162, MedGen C0027672, MeSH D009386, MONDO:0015356.

Submissions (3):

Genetics Laboratory, Great Ormond Street Hospital NHS Foundation Trust, North Thames Genomic Laboratory Hub
Classification: Likely pathogenic for Peutz Jeghers Syndrome. Last evaluated: 2026-04-08. Review status: criteria provided, single submitter. Criteria: CanVIG Consensus Spec V3.0. Collection method: clinical testing. Allele origin: germline. Affected: yes.
Comment: PS4_moderate, PM2_moderate, PP3_supporting, PM5_moderate

Department of Pathology and Laboratory Medicine, Sinai Health System
Classification: Likely pathogenic for Melanoma, cutaneous malignant, susceptibility to, 1; Peutz-Jeghers syndrome; Familial pancreatic carcinoma; Germ cell tumor of testis. Last evaluated: 2019-10-29. Review status: criteria provided, single submitter. Criteria: ACMG Guidelines, 2015. Collection method: clinical testing. Allele origin: germline. Affected: yes.

Ambry Genetics
Classification: Likely pathogenic for Hereditary cancer-predisposing syndrome. Last evaluated: 2016-04-13. Review status: criteria provided, single submitter. Criteria: Ambry Variant Classification Scheme 2023. Collection method: clinical testing. Allele origin: germline.
Comment: The p.G163R variant (also known as c.487G>C), located in coding exon 4 of the STK11 gene, results from a G to C substitution at nucleotide position 487. The glycine at codon 163 is replaced by arginine, an amino acid with dissimilar properties. This variant is in the highly conserved protein kinase domain of the STK11 gene. It has been reported in multiple individuals in different populations with a clinical diagnosis of Peutz-Jeghers syndrome (Barker D et al. Int J Gynecol Pathol. 2010 Jan;29(1):27-32; Fu J, Genet Test Mol Biomarkers 2015 Sep;19(9):528-31). Another alteration at this position, p.G163D, has been reported as a mutation in a patient with Peutz-Jeghers syndrome and was shown to lead to severely impaired but detectable kinase activity (Lim W Gastroenterology. 2004 Jun;126(7):1788-94; Ylikorkala A Hum Mol Genet. 1999 Jan;8(1):45-51). This variant was not reported in population based cohorts in the following databases: Database of Single Nucleotide Polymorphisms (dbSNP), NHLBI Exome Sequencing Project (ESP), and 1000 Genomes Project. In the ESP, this variant was not observed in 6328 samples (12656 alleles) with coverage at this position. To date, this alteration has been detected with an allele frequency of approximately 0.002% (greater than 125000 alleles tested) in our clinical cohort. This amino acid position is highly conserved in available vertebrate species. In addition, this alteration is predicted to be deleterious by in silico analysis. Based on the majority of available evidence to date, this variant is likely to be pathogenic.

Literature cited by the submitters: PubMed 9887330 (cited by Department of Pathology and Laboratory Medicine, Sinai Health System and Ambry Genetics); PubMed 19952941 (cited by Department of Pathology and Laboratory Medicine, Sinai Health System and Ambry Genetics); PubMed 26225618 (cited by Department of Pathology and Laboratory Medicine, Sinai Health System and Ambry Genetics); PubMed 15188174 (cited by Ambry Genetics).

NM_000455.5(STK11):c.487G>C (p.Gly163Arg)

Gene: STK11 (serine/threonine kinase 11; plus strand). Cytogenetic location: 19p13.3.
Variant type: single nucleotide variant.
Coding change: c.487G>C on transcript NM_000455.5 (MANE Select); coding-DNA position 487, G replaced by C.
Protein change: p.Gly163Arg; replaces glycine 163 with arginine.
Molecular consequence: missense variant.
Genome position (GRCh38, 1-based): chr19:1,220,395, G>C. VCF-style: chr19-1220395-G-C. GRCh37 (hg19) VCF-style: chr19-1220394-G-C.
Other names: short protein forms G163R.
Identifiers: ClinVar variation 182898 (VCV000182898.7), dbSNP rs730881972, ClinGen allele CA023047.
Genomic context (GRCh38, chr19:1,220,395, plus strand): 5'-GAGGCCTCGGCCCCAGGACGGGTGTGTGCTGCCCGCAGGTACTTCTGTCAGCTGATTGAC[G>C]GCCTGGAGTACCTGCATAGCCAGGGCATTGTGCACAAGGACATCAAGCCGGGGAACCTGC-3'
Protein context (NP_000446.1, residues 153-173): AHGYFCQLID[Gly163Arg]LEYLHSQGIV